The following is an entry in ClinVar:

NM_006231.4(POLE):c.717C>G (p.His239Gln)

Gene: POLE (DNA polymerase epsilon, catalytic subunit; minus strand). Cytogenetic location: 12q24.33.
Variant type: single nucleotide variant.
Coding change: c.717C>G on transcript NM_006231.4 (MANE Select); coding-DNA position 717, C replaced by G.
Protein change: p.His239Gln; replaces histidine 239 with glutamine.
Molecular consequence: missense variant.
Genome position (GRCh38, 1-based): chr12:132,677,581, G>C on the plus strand (C>G on the coding strand, the complement: POLE is on the minus strand). VCF-style: chr12-132677581-G-C. GRCh37 (hg19) VCF-style: chr12-133254167-G-C.
Other names: short protein forms H239Q.
Identifiers: ClinVar variation 3935729 (VCV003935729.1).

ClinVar aggregate classification (germline): Uncertain significance (1 of 4 stars; one submission).

Conditions:
Hereditary cancer-predisposing syndrome. Also called: Tumor predisposition; Hereditary neoplastic syndrome; Hereditary Cancer Syndrome; Neoplastic Syndromes, Hereditary. Identifiers: Orphanet 140162, MedGen C0027672, MeSH D009386, MONDO:0015356.

Submission:

Ambry Genetics
Classification: Uncertain significance for Hereditary cancer-predisposing syndrome. Last evaluated: 2025-05-03. Review status: criteria provided, single submitter. Criteria: Ambry Variant Classification Scheme 2023. Collection method: clinical testing. Allele origin: germline.
Comment: The p.H239Q variant (also known as c.717C>G), located in coding exon 7 of the POLE gene, results from a C to G substitution at nucleotide position 717. The histidine at codon 239 is replaced by glutamine, an amino acid with highly similar properties. This amino acid position is highly conserved in available vertebrate species. In addition, this alteration is predicted to be tolerated by in silico analysis. Based on the available evidence, the clinical significance of this variant remains unclear.